The following is an entry in ClinVar:

NM_005732.4(RAD50):c.698A>G (p.Gln233Arg)

Gene: RAD50 (RAD50 double strand break repair protein; plus strand). Cytogenetic location: 5q31.1.
Variant type: single nucleotide variant.
Coding change: c.698A>G on transcript NM_005732.4 (MANE Select); coding-DNA position 698, A replaced by G.
Protein change: p.Gln233Arg; replaces glutamine 233 with arginine.
Molecular consequence: missense variant.
Genome position (GRCh38, 1-based): chr5:132,580,008, A>G. VCF-style: chr5-132580008-A-G. GRCh37 (hg19) VCF-style: chr5-131915700-A-G.
Other names: short protein forms Q233R.
Identifiers: ClinVar variation 408360 (VCV000408360.10), dbSNP rs1060501945, ClinGen allele CA16611816.

ClinVar aggregate classification (germline): Uncertain significance. Review status: criteria provided, multiple submitters, no conflicts (2 of 4 stars). 2 submissions from 2 submitters: Uncertain significance (2). Last evaluated 2025-03-01.

Conditions:
Hereditary cancer-predisposing syndrome. Also called: Hereditary Cancer Syndrome; Hereditary neoplastic syndrome; Neoplastic Syndromes, Hereditary; Tumor predisposition. Identifiers: Orphanet 140162, MedGen C0027672, MeSH D009386, MONDO:0015356.

Submissions (2):

Ambry Genetics
Classification: Uncertain significance for Hereditary cancer-predisposing syndrome. Last evaluated: 2025-03-01. Review status: criteria provided, single submitter. Criteria: Ambry Variant Classification Scheme 2023. Collection method: clinical testing. Allele origin: germline.
Comment: The p.Q233R variant (also known as c.698A>G), located in coding exon 5 of the RAD50 gene, results from an A to G substitution at nucleotide position 698. The glutamine at codon 233 is replaced by arginine, an amino acid with highly similar properties. This amino acid position is highly conserved in available vertebrate species. In addition, the in silico prediction for this alteration is inconclusive. Since supporting evidence is limited at this time, the clinical significance of this alteration remains unclear.

Labcorp Genetics (formerly Invitae), Labcorp
Classification: Uncertain significance for Hereditary cancer-predisposing syndrome. Last evaluated: 2024-04-29. Review status: criteria provided, single submitter. Criteria: Invitae Variant Classification Sherloc (09022015). Collection method: clinical testing. Allele origin: germline.
Comment: This sequence change replaces glutamine, which is neutral and polar, with arginine, which is basic and polar, at codon 233 of the RAD50 protein (p.Gln233Arg). This variant is not present in population databases (gnomAD no frequency). This variant has not been reported in the literature in individuals affected with RAD50-related conditions. ClinVar contains an entry for this variant (Variation ID: 408360). Advanced modeling of protein sequence and biophysical properties (such as structural, functional, and spatial information, amino acid conservation, physicochemical variation, residue mobility, and thermodynamic stability) performed at Invitae indicates that this missense variant is not expected to disrupt RAD50 protein function with a negative predictive value of 80%. In summary, the available evidence is currently insufficient to determine the role of this variant in disease. Therefore, it has been classified as a Variant of Uncertain Significance.